The following is an entry in ClinVar:

ClinVar aggregate classification (germline): Uncertain significance (1 of 4 stars; one submission).

Conditions:
Charcot-Marie-Tooth disease type 4. Also called: Charcot-Marie-Tooth, Type 4; Charcot-Marie-Tooth disease, type IV. Identifiers: Orphanet 64749, MedGen C4082197, MONDO:0018995.

Allele frequency attached by ClinVar (database versions not stated): gnomAD exomes below 0.00001; TOPMed below 0.00001.
gnomAD v4.1: 2 of 1,613,806 alleles (0.00012%); highest among the groups gnomAD compares: Admixed American, 0.0033%; no homozygotes.

Submission:

Labcorp Genetics (formerly Invitae), Labcorp
Classification: Uncertain significance for Charcot-Marie-Tooth disease type 4. Last evaluated: 2023-12-06. Review status: criteria provided, single submitter. Criteria: Invitae Variant Classification Sherloc (09022015). Collection method: clinical testing. Allele origin: germline.
Comment: This sequence change replaces proline, which is neutral and non-polar, with leucine, which is neutral and non-polar, at codon 1160 of the SBF2 protein (p.Pro1160Leu). This variant is present in population databases (no rsID available, gnomAD 0.003%). This variant has not been reported in the literature in individuals affected with SBF2-related conditions. ClinVar contains an entry for this variant (Variation ID: 640402). Advanced modeling of protein sequence and biophysical properties (such as structural, functional, and spatial information, amino acid conservation, physicochemical variation, residue mobility, and thermodynamic stability) performed at Invitae indicates that this missense variant is expected to disrupt SBF2 protein function with a positive predictive value of 80%. In summary, the available evidence is currently insufficient to determine the role of this variant in disease. Therefore, it has been classified as a Variant of Uncertain Significance.

NM_030962.4(SBF2):c.3479C>T (p.Pro1160Leu)

Gene: SBF2 (SET binding factor 2; minus strand). Cytogenetic location: 11p15.4.
Variant type: single nucleotide variant.
Coding change: c.3479C>T on transcript NM_030962.4 (MANE Select); coding-DNA position 3479, C replaced by T.
Protein change: p.Pro1160Leu; replaces proline 1160 with leucine.
Molecular consequence: missense variant.
Genome position (GRCh38, 1-based): chr11:9,832,397, G>A on the plus strand (C>T on the coding strand, the complement: SBF2 is on the minus strand). VCF-style: chr11-9832397-G-A. GRCh37 (hg19) VCF-style: chr11-9853944-G-A.
Other names: c.3479C>T, p.Pro1160Leu (NM_001386339.1); c.3350C>T, p.Pro1117Leu (NM_001386342.1); short protein forms P1160L, P1117L.
Identifiers: ClinVar variation 640402 (VCV000640402.7), dbSNP rs1233967178, ClinGen allele CA379645846.